The following continues an entry in ClinVar:

NM_003060.4(SLC22A5):c.1195C>T (p.Arg399Trp)

Gene: SLC22A5. ClinVar aggregate classification (germline): Pathogenic/Likely pathogenic. Pathogenic (9); Likely pathogenic (5).

Submissions 12 to 16 of 16:

Eurofins Ntd Llc (ga)
Classification: Likely pathogenic. Last evaluated: 2016-06-08. Review status: criteria provided, single submitter. Criteria: EGL Classification Definitions 2015. Collection method: clinical testing. Allele origin: germline. Observed: 1 variant allele, 1 heterozygote.

Juno Genomics, Hangzhou Juno Genomics, Inc
Classification: Likely pathogenic for Renal carnitine transport defect. Review status: criteria provided, single submitter. Criteria: ACMG Guidelines, 2015. Collection method: clinical testing. Allele origin: germline.
Comment: Absent from controls (or at extremely low frequency if recessive) in Genome Aggregation Database.;Multiple lines of computational evidence support a deleterious effect on the gene or gene product.;For recessive disorders, detected in trans with a pathogenic variant.;Novel missense change at an amino acid residue where a different missense change determined to be pathogenic has been seen before.

Lifecell International Pvt. Ltd
Classification: Pathogenic for Renal carnitine transport defect. Review status: criteria provided, single submitter. Criteria: ACMG Guidelines, 2015. Collection method: clinical testing. Allele origin: germline. Inheritance: Autosomal recessive inheritance. Affected: yes. Observed: 1 compound heterozygote.
Comment: A Heterozygous Missense variant c.1195C>T in Exon 7 of the SLC22A5 gene that results in the amino acid substitution p.Arg399Trp was identified. The observed variant has a minor allele frequency of 0.00012% in gnomAD exomes and is novel genomes. The severity of the impact of this variant on the protein is high, based on the effect of the protein and REVEL score . Rare Exome Variant Ensemble Learner (REVEL) is an ensembl method for predicting the pathogenicity of missense variants based on a combination of scores from 13 individual tools: MutPred, FATHMM v2.3, VEST 3.0, PolyPhen-2, SIFT, PROVEAN, MutationAssessor, MutationTaster, LRT, GERP++, SiPhy, phyloP, and phastCons. The REVEL score for an individual missense variant can range from 0 to 1, with higher scores reflecting greater likelihood that the variant is disease-causing. The observed variant is previously reported in patients affected with Primary Carnitine Deficiency (Frigeni, Marta et al., 2017). Furthermore, experimental studies have shown that this missense change affects SLC22A5 function (Longo, Nicola et al., 2016). ClinVar has also classified this variant as Pathogenic/ Likely Pathogenic [Variation ID:6427]. For these reasons, this variant has been classified as Pathogenic.

OMIM
Classification: Pathogenic for CARNITINE DEFICIENCY, SYSTEMIC PRIMARY. Last evaluated: 2015-04-29. Review status: no assertion criteria provided. Collection method: literature only. Allele origin: germline. Not counted in ClinVar's aggregate classification.

Counsyl
Classification: Likely pathogenic for Renal carnitine transport defect. Last evaluated: 2014-01-02. Review status: no assertion criteria provided. Collection method: clinical testing. Allele origin: unknown. Not counted in ClinVar's aggregate classification.

Literature cited by the submitters: PubMed 20027113 (cited by 6 submitters); PubMed 20574985 (cited by 4 submitters); PubMed 25132046 (cited by 4 submitters); PubMed 28841266 (cited by 4 submitters); PubMed 27931018 (cited by 3 submitters); PubMed 11715001 (cited by Labcorp Genetics (formerly Invitae), Labcorp); PubMed 30904546 (cited by Natera, Inc.); PubMed 34394177 (cited by Natera, Inc.); PubMed 29132460 (cited by Mayo Clinic Laboratories, Mayo Clinic); PubMed 41022664 (cited by Department of Genetics of Metabolic Diseases, Institute of Medical & Molecular Genetics, Hospital Universitario Hospital La Paz); PubMed 28711408 (cited by Illumina Laboratory Services, Illumina).